The following is an entry in ClinVar:

NM_014970.4(KIFAP3):c.1301T>G (p.Phe434Cys)

Gene: KIFAP3 (kinesin associated protein 3; minus strand). Cytogenetic location: 1q24.2.
Variant type: single nucleotide variant.
Coding change: c.1301T>G on transcript NM_014970.4 (MANE Select); coding-DNA position 1301, T replaced by G.
Protein change: p.Phe434Cys; replaces phenylalanine 434 with cysteine.
Molecular consequence: missense variant.
Genome position (GRCh38, 1-based): chr1:169,984,674, A>C on the plus strand (T>G on the coding strand, the complement: KIFAP3 is on the minus strand). VCF-style: chr1-169984674-A-C. GRCh37 (hg19) VCF-style: chr1-169953815-A-C.
Other names: c.1067T>G, p.Phe356Cys (NM_001204514.2); c.1169T>G, p.Phe390Cys (NM_001204516.2); c.1181T>G, p.Phe394Cys (NM_001204517.2); c.1301T>G, p.Phe434Cys (NM_001375830.1, NM_001375831.1); short protein forms F356C, F390C, F394C, F434C.
Identifiers: ClinVar variation 3049322 (VCV003049322.2), dbSNP rs116755924, ClinGen allele CA1238429.

ClinVar aggregate classification (germline): Benign (0 of 4 stars; one submission).

Conditions:
KIFAP3-related disorder. Also called: KIFAP3-related condition.

Allele frequency attached by ClinVar (database versions not stated): 1000 Genomes Project 30x 0.00047; 1000 Genomes Project 0.00060; ExAC 0.00148; gnomAD 0.00161; ESP Exome Variant Server 0.00185; TOPMed 0.00186; gnomAD exomes 0.00203.
gnomAD v4.1: 3,213 of 1,600,084 alleles (0.2%); highest among the groups gnomAD compares: Non-Finnish European, 0.23%; 4 homozygotes.

Submission:

PreventionGenetics, part of Exact Sciences
Classification: Benign for KIFAP3-related condition. Last evaluated: 2019-07-26. Review status: no assertion criteria provided. Collection method: clinical testing. Allele origin: germline.
Comment: This variant is classified as benign based on ACMG/AMP sequence variant interpretation guidelines (Richards et al. 2015 PMID: 25741868, with internal and published modifications).